The following is an entry in ClinVar:

ClinVar aggregate classification (germline): Uncertain significance (1 of 4 stars; one submission).

Conditions:
Cardiomyopathy (CMYO). Also called: Cardiomyopathies. Identifiers: Orphanet 167848, MedGen C0878544, MONDO:0004994, HP:0001638. Inheritance: Various modes of inheritance.

Submission:

Color Diagnostics, LLC DBA Color Health
Classification: Uncertain significance for Cardiomyopathy. Last evaluated: 2024-03-06. Review status: criteria provided, single submitter. Criteria: ACMG Guidelines, 2015. Collection method: clinical testing. Allele origin: germline.
Comment: This missense variant replaces glutamic acid with aspartic acid at codon 69 of the TPM1 protein. Computational prediction tools indicate that this variant has a neutral impact on protein structure and function. To our knowledge, functional studies have not been reported for this variant. This variant has not been reported in individuals affected with TPM1-related disorders in the literature. This variant has not been identified in the general population by the Genome Aggregation Database (gnomAD). The available evidence is insufficient to determine the role of this variant in disease conclusively. Therefore, this variant is classified as a Variant of Uncertain Significance.

NM_001018005.2(TPM1):c.207G>T (p.Glu69Asp)

Gene: TPM1 (tropomyosin 1; plus strand). Cytogenetic location: 15q22.2.
Variant type: single nucleotide variant.
Coding change: c.207G>T on transcript NM_001018005.2 (MANE Select); coding-DNA position 207, G replaced by T.
Protein change: p.Glu69Asp; replaces glutamic acid 69 with aspartic acid.
Molecular consequence: missense variant. On other transcripts: non-coding transcript variant (12), intron variant (10).
Genome position (GRCh38, 1-based): chr15:63,044,119, G>T. VCF-style: chr15-63044119-G-T. GRCh37 (hg19) VCF-style: chr15-63336318-G-T.
Other names: c.207G>T, p.Glu69Asp (NM_000366.6, NM_001018004.2, NM_001018006.2 and 10 more transcripts); c.333G>T, p.Glu111Asp (NM_001365778.1, NM_001407322.1, NM_001407323.1 and 1 more transcripts); c.240+288G>T (NM_001407336.1, NM_001018020.2, NM_001407338.1 and 7 more transcripts); short protein forms E111D, E69D.
Identifiers: ClinVar variation 2774664 (VCV002774664.2), dbSNP rs2031868897, ClinGen allele CA392718681.